The following is an entry in ClinVar:

NM_001318852.2(MAPK8IP3):c.514A>G (p.Ile172Val)

Gene: MAPK8IP3 (mitogen-activated protein kinase 8 interacting protein 3; plus strand). Cytogenetic location: 16p13.3.
Variant type: single nucleotide variant.
Coding change: c.514A>G on transcript NM_001318852.2 (MANE Select); coding-DNA position 514, A replaced by G.
Protein change: p.Ile172Val; replaces isoleucine 172 with valine.
Molecular consequence: missense variant.
Genome position (GRCh38, 1-based): chr16:1,729,490, A>G. VCF-style: chr16-1729490-A-G. GRCh37 (hg19) VCF-style: chr16-1779491-A-G.
Other names: c.514A>G, p.Ile172Val (NM_001040439.2, NM_015133.5); short protein forms I172V.
Identifiers: ClinVar variation 3781044 (VCV003781044.1).

ClinVar aggregate classification (germline): Uncertain significance (1 of 4 stars; one submission).

gnomAD v4.1: 1 of 1,612,764 alleles (0.000062%); highest among the groups gnomAD compares: Non-Finnish European, 0.000085%; no homozygotes.

Submission:

GeneDx
Classification: Uncertain significance. Last evaluated: 2024-10-16. Review status: criteria provided, single submitter. Criteria: GeneDx Variant Classification Process June 2021. Collection method: clinical testing. Allele origin: germline. Affected: yes.
Comment: Not observed at significant frequency in large population cohorts (gnomAD); In silico analysis indicates that this missense variant does not alter protein structure/function; Has not been previously published as pathogenic or benign to our knowledge